The following is an entry in ClinVar:

ClinVar aggregate classification (germline): Likely benign. Review status: criteria provided, multiple submitters, no conflicts (2 of 4 stars). 5 submissions from 5 submitters: Likely benign (2). 3 of the submissions do not count toward it. Last evaluated 2025-02-20.

Conditions:
MYH6-related disorder. Also called: MYH6-related condition; MYH6-Related Disorders.
Cardiovascular phenotype. Identifiers: MedGen CN230736.
Hypertrophic cardiomyopathy 14. Identifiers: MedGen C2750467, MONDO:0013197, OMIM 613251.

Allele frequency attached by ClinVar (database versions not stated): gnomAD 0.00002; gnomAD exomes 0.00002; TOPMed 0.00002; ExAC 0.00003; ESP Exome Variant Server 0.00008.
gnomAD v4.1: 29 of 1,613,618 alleles (0.0018%); highest among the groups gnomAD compares: Non-Finnish European, 0.0023%; no homozygotes.

Submissions (5):

Ambry Genetics
Classification: Likely benign for Cardiovascular phenotype. Last evaluated: 2025-02-20. Review status: criteria provided, single submitter. Criteria: Ambry Variant Classification Scheme 2023. Collection method: clinical testing. Allele origin: germline.

Labcorp Genetics (formerly Invitae), Labcorp
Classification: Likely benign for Hypertrophic cardiomyopathy 14. Last evaluated: 2024-04-07. Review status: criteria provided, single submitter. Criteria: Invitae Variant Classification Sherloc (09022015). Collection method: clinical testing. Allele origin: germline.

PreventionGenetics, part of Exact Sciences
Classification: Likely benign for MYH6-related condition. Last evaluated: 2020-09-04. Review status: no assertion criteria provided. Collection method: clinical testing. Allele origin: germline. Not counted in ClinVar's aggregate classification.
Comment: This variant is classified as likely benign based on ACMG/AMP sequence variant interpretation guidelines (Richards et al. 2015 PMID: 25741868, with internal and published modifications).

Clinical Genetics, Academic Medical Center
Classification: Benign. Review status: no assertion criteria provided. Collection method: clinical testing. Allele origin: germline. Affected: yes. Study: VKGL Data-share Consensus. Not counted in ClinVar's aggregate classification.

Diagnostic Laboratory, Department of Genetics, University Medical Center Groningen
Classification: Likely benign. Review status: no assertion criteria provided. Collection method: clinical testing. Allele origin: germline. Affected: yes. Study: VKGL Data-share Consensus. Not counted in ClinVar's aggregate classification.

NM_002471.4(MYH6):c.1086C>T (p.Asn362=)

Gene: MYH6 (myosin heavy chain 6; minus strand). Cytogenetic location: 14q11.2.
Variant type: single nucleotide variant.
Coding change: c.1086C>T on transcript NM_002471.4 (MANE Select); coding-DNA position 1086, C replaced by T.
Protein change: p.Asn362=; no amino-acid change (asparagine 362 retained).
Molecular consequence: synonymous variant.
Genome position (GRCh38, 1-based): chr14:23,402,519, G>A on the plus strand (C>T on the coding strand, the complement: MYH6 is on the minus strand). VCF-style: chr14-23402519-G-A. GRCh37 (hg19) VCF-style: chr14-23871728-G-A.
Other names: c.1086C>T (NM_002471.3).
Identifiers: ClinVar variation 1154308 (VCV001154308.15), dbSNP rs375189593, ClinGen allele CA7115905.